The following is an entry in ClinVar:

NM_006662.3(SRCAP):c.8693C>G (p.Pro2898Arg)

Gene: SRCAP (Snf2 related CREBBP activator protein; plus strand). Cytogenetic location: 16p11.2.
Variant type: single nucleotide variant.
Coding change: c.8693C>G on transcript NM_006662.3 (MANE Select); coding-DNA position 8693, C replaced by G.
Protein change: p.Pro2898Arg; replaces proline 2898 with arginine.
Molecular consequence: missense variant.
Genome position (GRCh38, 1-based): chr16:30,738,733, C>G. VCF-style: chr16-30738733-C-G. GRCh37 (hg19) VCF-style: chr16-30750054-C-G.
Other names: short protein forms P2898R.
Identifiers: ClinVar variation 1495414 (VCV001495414.9), dbSNP rs770109840, ClinGen allele CA8012746.

ClinVar aggregate classification (germline): Uncertain significance. Review status: criteria provided, multiple submitters, no conflicts (2 of 4 stars). 2 submissions from 2 submitters: Uncertain significance (2). Last evaluated 2024-06-30.

Conditions:
Floating-Harbor syndrome (FLHS). Also called: Short stature with delayed bone age, expressive language delay, a triangular face with a prominent nose and deep-set eyes; Pelletier-Leisti syndrome; SRCAP-Related Floating-Harbor Syndrome. Identifiers: Orphanet 2044, MedGen C0729582, MONDO:0007621, OMIM 136140.
Developmental delay, hypotonia, musculoskeletal defects, and behavioral abnormalities. Identifiers: MedGen C5562012, MONDO:0859202, OMIM 619595.

Allele frequency attached by ClinVar (database versions not stated): gnomAD exomes below 0.00001 and 0.00001; TOPMed below 0.00001; ExAC 0.00001; gnomAD 0.00001.
gnomAD v4.1: 10 of 1,613,990 alleles (0.00062%); highest among the groups gnomAD compares: Non-Finnish European, 0.00085%; no homozygotes.

Submissions (2):

Labcorp Genetics (formerly Invitae), Labcorp
Classification: Uncertain significance. Last evaluated: 2024-06-30. Review status: criteria provided, single submitter. Criteria: Invitae Variant Classification Sherloc (09022015). Collection method: clinical testing. Allele origin: germline.
Comment: This sequence change replaces proline, which is neutral and non-polar, with arginine, which is basic and polar, at codon 2898 of the SRCAP protein (p.Pro2898Arg). This variant is present in population databases (rs770109840, gnomAD 0.002%). This variant has not been reported in the literature in individuals affected with SRCAP-related conditions. ClinVar contains an entry for this variant (Variation ID: 1495414). Advanced modeling of protein sequence and biophysical properties (such as structural, functional, and spatial information, amino acid conservation, physicochemical variation, residue mobility, and thermodynamic stability) performed at Invitae indicates that this missense variant is not expected to disrupt SRCAP protein function with a negative predictive value of 80%. In summary, the available evidence is currently insufficient to determine the role of this variant in disease. Therefore, it has been classified as a Variant of Uncertain Significance.

Fulgent Genetics
Classification: Uncertain significance for Floating-Harbor syndrome; Developmental delay, hypotonia, musculoskeletal defects, and behavioral abnormalities. Last evaluated: 2021-10-22. Review status: criteria provided, single submitter. Criteria: ACMG Guidelines, 2015. Collection method: clinical testing. Allele origin: unknown.